The following is an entry in ClinVar:

ClinVar aggregate classification (germline): Uncertain significance (1 of 4 stars; one submission).

Conditions:
Hereditary cancer-predisposing syndrome. Also called: Neoplastic Syndromes, Hereditary; Tumor predisposition; Hereditary Cancer Syndrome; Hereditary neoplastic syndrome. Identifiers: Orphanet 140162, MedGen C0027672, MeSH D009386, MONDO:0015356.

Submission:

Ambry Genetics
Classification: Uncertain significance for Hereditary cancer-predisposing syndrome. Last evaluated: 2026-04-20. Review status: criteria provided, single submitter. Criteria: Ambry Variant Classification Scheme 2023. Collection method: clinical testing. Allele origin: germline.
Comment: The p.F328Y variant (also known as c.983T>A), located in coding exon 8 of the CHEK2 gene, results from a T to A substitution at nucleotide position 983. The phenylalanine at codon 328 is replaced by tyrosine, an amino acid with highly similar properties. This amino acid position is conserved. In addition, the in silico prediction for this alteration is inconclusive. Based on the available evidence, the clinical significance of this variant remains unclear.

NM_007194.4(CHEK2):c.983T>A (p.Phe328Tyr)

Gene: CHEK2 (checkpoint kinase 2; minus strand). Cytogenetic location: 22q12.1.
Variant type: single nucleotide variant.
Coding change: c.983T>A on transcript NM_007194.4 (MANE Select); coding-DNA position 983, T replaced by A.
Protein change: p.Phe328Tyr; replaces phenylalanine 328 with tyrosine.
Molecular consequence: missense variant.
Genome position (GRCh38, 1-based): chr22:28,699,863, A>T on the plus strand (T>A on the coding strand, the complement: CHEK2 is on the minus strand). VCF-style: chr22-28699863-A-T. GRCh37 (hg19) VCF-style: chr22-29095851-A-T.
Other names: c.1112T>A, p.Phe371Tyr (NM_001005735.3, NM_001438294.1); c.320T>A, p.Phe107Tyr (NM_001257387.3, NM_001437942.1); c.782T>A, p.Phe261Tyr (NM_001349956.3); c.1076T>A, p.Phe359Tyr (NM_001438293.1, NM_001438295.1); c.983T>A, p.Phe328Tyr (NM_145862.3); short protein forms F107Y, F261Y, F328Y, F359Y, F371Y.
Identifiers: ClinVar variation 4868931 (VCV004868931.1).